The following is an entry in ClinVar:

NM_018979.4(WNK1):c.6239G>T (p.Arg2080Leu)

Gene: WNK1 (WNK lysine deficient protein kinase 1; plus strand). Cytogenetic location: 12p13.33.
Variant type: single nucleotide variant.
Coding change: c.6239G>T on transcript NM_018979.4 (MANE Select); coding-DNA position 6239, G replaced by T.
Protein change: p.Arg2080Leu; replaces arginine 2080 with leucine.
Molecular consequence: missense variant.
Genome position (GRCh38, 1-based): chr12:896,726, G>T. VCF-style: chr12-896726-G-T. GRCh37 (hg19) VCF-style: chr12-1005892-G-T.
Other names: c.7019G>T, p.Arg2340Leu (NM_001184985.2); c.5495G>T, p.Arg1832Leu (NM_014823.3); c.6995G>T, p.Arg2332Leu (NM_213655.5); short protein forms R1832L, R2080L, R2332L, R2340L.
Identifiers: ClinVar variation 1001258 (VCV001001258.9), dbSNP rs774170069, ClinGen allele CA383336982.

ClinVar aggregate classification (germline): Uncertain significance (1 of 4 stars; one submission).

Conditions:
Pseudohypoaldosteronism type 2C (PHA2C). Also called: Pseudohypoaldosteronism Type IIC. Identifiers: Orphanet 757, Orphanet 88940, MedGen C1840391, MONDO:0013778, OMIM 614492.
Neuropathy, hereditary sensory and autonomic, type 2A (HSAN2A). Also called: ACROOSTEOLYSIS, GIACCAI TYPE; ACROOSTEOLYSIS, NEUROGENIC; MORVAN DISEASE; NEUROPATHY, CONGENITAL SENSORY; NEUROPATHY, HEREDITARY SENSORY RADICULAR, AUTOSOMAL RECESSIVE; NEUROPATHY, HEREDITARY SENSORY, TYPE IIA. Identifiers: Orphanet 970, MedGen C2752089, MONDO:0024309, OMIM 201300.

Submission:

Labcorp Genetics (formerly Invitae), Labcorp
Classification: Uncertain significance for Neuropathy, hereditary sensory and autonomic, type 2A; Pseudohypoaldosteronism type 2C. Last evaluated: 2020-02-04. Review status: criteria provided, single submitter. Criteria: Invitae Variant Classification Sherloc (09022015). Collection method: clinical testing. Allele origin: germline.
Comment: This variant has not been reported in the literature in individuals with WNK1-related conditions. In summary, the available evidence is currently insufficient to determine the role of this variant in disease. Therefore, it has been classified as a Variant of Uncertain Significance. Algorithms developed to predict the effect of missense changes on protein structure and function are either unavailable or do not agree on the potential impact of this missense change (SIFT: "Deleterious"; PolyPhen-2: "Not Available"; Align-GVGD: "Class C65"). This variant is not present in population databases (ExAC no frequency). This sequence change replaces arginine with leucine at codon 2332 of the WNK1 protein (p.Arg2332Leu). The arginine residue is moderately conserved and there is a moderate physicochemical difference between arginine and leucine.